The following is an entry in ClinVar:

NM_000031.6(ALAD):c.387T>C (p.His129=)

Gene: ALAD (aminolevulinate dehydratase; minus strand). Cytogenetic location: 9q32.
Variant type: single nucleotide variant.
Coding change: c.387T>C on transcript NM_000031.6 (MANE Select); coding-DNA position 387, T replaced by C.
Protein change: p.His129=; no amino-acid change (histidine 129 retained).
Molecular consequence: synonymous variant.
Genome position (GRCh38, 1-based): chr9:113,390,808, A>G on the plus strand (T>C on the coding strand, the complement: ALAD is on the minus strand). VCF-style: chr9-113390808-A-G. GRCh37 (hg19) VCF-style: chr9-116153088-A-G.
Other names: c.474T>C, p.His158= (NM_001003945.3); c.363T>C, p.His121= (NM_001317745.2).
Identifiers: ClinVar variation 1611344 (VCV001611344.13), dbSNP rs1564371147, ClinGen allele CA466907616.

ClinVar aggregate classification (germline): Likely benign. Review status: criteria provided, multiple submitters, no conflicts (2 of 4 stars). 2 submissions from 2 submitters: Likely benign (2). Last evaluated 2025-12-01.

Allele frequency attached by ClinVar (database versions not stated): gnomAD exomes below 0.00001; TOPMed below 0.00001; gnomAD 0.00001.
gnomAD v4.1: 19 of 1,611,262 alleles (0.0012%); highest among the groups gnomAD compares: Non-Finnish European, 0.0014%; no homozygotes.

Submissions (2):

CeGaT Center for Human Genetics Tuebingen
Classification: Likely benign. Last evaluated: 2025-12-01. Review status: criteria provided, single submitter. Criteria: CeGaT Center For Human Genetics Tuebingen Variant Classification Criteria Version 2. Collection method: clinical testing. Allele origin: germline. Affected: yes. Observed: 1 variant allele.
Comment: ALAD: BP4, BP7

Labcorp Genetics (formerly Invitae), Labcorp
Classification: Likely benign. Last evaluated: 2021-01-30. Review status: criteria provided, single submitter. Criteria: Invitae Variant Classification Sherloc (09022015). Collection method: clinical testing. Allele origin: germline.